The following is an entry in ClinVar:

NM_001195.5(BFSP1):c.157G>A (p.Ala53Thr)

Gene: BFSP1 (beaded filament structural protein 1; minus strand). Cytogenetic location: 20p12.1.
Variant type: single nucleotide variant.
Coding change: c.157G>A on transcript NM_001195.5 (MANE Select); coding-DNA position 157, G replaced by A.
Protein change: p.Ala53Thr; replaces alanine 53 with threonine.
Molecular consequence: missense variant. On other transcripts: intron variant (4).
Genome position (GRCh38, 1-based): chr20:17,531,173, C>T on the plus strand (G>A on the coding strand, the complement: BFSP1 is on the minus strand). VCF-style: chr20-17531173-C-T. GRCh37 (hg19) VCF-style: chr20-17511818-C-T.
Other names: c.157G>A, p.Ala53Thr (NM_001424338.1); c.-40-6265G>A (NM_001278608.2, NM_001278606.2); c.45-6265G>A (NM_001278607.2); c.3-6265G>A (NM_001161705.2); short protein forms A53T.
Identifiers: ClinVar variation 3718455 (VCV003718455.2).

ClinVar aggregate classification (germline): Uncertain significance (1 of 4 stars; one submission).

Conditions:
Cataract 33. Also called: CATARACT 33, CORTICAL. Identifiers: Orphanet 91492, MedGen C3808107, MONDO:0012665, OMIM 611391.

Submission:

Labcorp Genetics (formerly Invitae), Labcorp
Classification: Uncertain significance for Cataract 33. Last evaluated: 2024-04-14. Review status: criteria provided, single submitter. Criteria: Invitae Variant Classification Sherloc (09022015). Collection method: clinical testing. Allele origin: germline.
Comment: This sequence change replaces alanine, which is neutral and non-polar, with threonine, which is neutral and polar, at codon 53 of the BFSP1 protein (p.Ala53Thr). This variant is not present in population databases (gnomAD no frequency). This variant has not been reported in the literature in individuals affected with BFSP1-related conditions. Advanced modeling of protein sequence and biophysical properties (such as structural, functional, and spatial information, amino acid conservation, physicochemical variation, residue mobility, and thermodynamic stability) performed at Invitae indicates that this missense variant is not expected to disrupt BFSP1 protein function with a negative predictive value of 80%. In summary, the available evidence is currently insufficient to determine the role of this variant in disease. Therefore, it has been classified as a Variant of Uncertain Significance.